The following is an entry in ClinVar:

NM_017534.6(MYH2):c.381C>A (p.Asn127Lys)

Genes: MYH2 (myosin heavy chain 2; minus strand), MYHAS (myosin heavy chain gene cluster antisense RNA; plus strand). Cytogenetic location: 17p13.1.
Variant type: single nucleotide variant.
Coding change: c.381C>A on transcript NM_017534.6 (MANE Select); coding-DNA position 381, C replaced by A.
Protein change: p.Asn127Lys; replaces asparagine 127 with lysine.
Molecular consequence: missense variant.
Genome position (GRCh38, 1-based): chr17:10,545,470, G>T on the plus strand (C>A on the coding strand, the complement: MYH2 is on the minus strand). VCF-style: chr17-10545470-G-T. GRCh37 (hg19) VCF-style: chr17-10448787-G-T.
Other names: c.381C>A, p.Asn127Lys (NM_001100112.2); short protein forms N127K.
Identifiers: ClinVar variation 3683449 (VCV003683449.2).

ClinVar aggregate classification (germline): Uncertain significance (1 of 4 stars; one submission).

Conditions:
Myopathy, proximal, and ophthalmoplegia (CMYO6). Also called: MYOPATHY WITH CONGENITAL JOINT CONTRACTURES, OPHTHALMOPLEGIA, AND RIMMED VACUOLES; INCLUSION BODY MYOPATHY 3, AUTOSOMAL DOMINANT; CONGENITAL MYOPATHY 6 WITH OPHTHALMOPLEGIA. Identifiers: Orphanet 363677, Orphanet 79091, MedGen C1854106, MONDO:0011577, OMIM 605637.

Submission:

Labcorp Genetics (formerly Invitae), Labcorp
Classification: Uncertain significance for Myopathy, proximal, and ophthalmoplegia. Last evaluated: 2024-08-27. Review status: criteria provided, single submitter. Criteria: Invitae Variant Classification Sherloc (09022015). Collection method: clinical testing. Allele origin: germline.
Comment: This sequence change replaces asparagine, which is neutral and polar, with lysine, which is basic and polar, at codon 127 of the MYH2 protein (p.Asn127Lys). This variant is not present in population databases (gnomAD no frequency). This variant has not been reported in the literature in individuals affected with MYH2-related conditions. Invitae Evidence Modeling of protein sequence and biophysical properties (such as structural, functional, and spatial information, amino acid conservation, physicochemical variation, residue mobility, and thermodynamic stability) indicates that this missense variant is expected to disrupt MYH2 protein function with a positive predictive value of 80%. In summary, the available evidence is currently insufficient to determine the role of this variant in disease. Therefore, it has been classified as a Variant of Uncertain Significance.